The following is an entry in ClinVar:

ClinVar aggregate classification (germline): Uncertain significance. Review status: criteria provided, multiple submitters, no conflicts (2 of 4 stars). 3 submissions from 3 submitters: Uncertain significance (2). 1 of the submissions does not count toward it. Last evaluated 2025-04-21.

Conditions:
CFTR-related disorder (CFTR-RD). Also called: CFTR-related disorders; CFTR-related condition. Identifiers: MedGen C5924204, MONDO:7770004.
Cystic fibrosis (CF). Also called: MUCOVISCIDOSIS. Identifiers: Orphanet 586, MedGen C0010674, MONDO:0009061, OMIM 219700. Disease mechanism: loss of function.

Allele frequency attached by ClinVar (database versions not stated): gnomAD exomes 0.00001 and 0.00002; TOPMed 0.00001; ExAC 0.00002; gnomAD 0.00002.
gnomAD v4.1: 38 of 1,613,400 alleles (0.0024%); highest among the groups gnomAD compares: Non-Finnish European, 0.0027%; no homozygotes.

Submissions (3):

Ambry Genetics
Classification: Uncertain significance for Cystic fibrosis. Last evaluated: 2025-04-21. Review status: criteria provided, single submitter. Criteria: Ambry Variant Classification Scheme 2023. Collection method: clinical testing. Allele origin: germline.
Comment: The p.N306S variant (also known as c.917A>G), located in coding exon 8 of the CFTR gene, results from an A to G substitution at nucleotide position 917. The asparagine at codon 306 is replaced by serine, an amino acid with highly similar properties. This amino acid position is not well conserved in available vertebrate species. In addition, the in silico prediction for this alteration is inconclusive. Based on the available evidence, the clinical significance of this variant remains unclear.

Blueprint Genetics
Classification: Uncertain significance. Last evaluated: 2022-06-07. Review status: criteria provided, single submitter. Criteria: ACMG Guidelines, 2015. Collection method: clinical testing. Allele origin: germline.

Natera, Inc.
Classification: Uncertain significance for CFTR-related disorders. Last evaluated: 2019-01-22. Review status: no assertion criteria provided. Collection method: clinical testing. Allele origin: germline. Not counted in ClinVar's aggregate classification.

NM_000492.4(CFTR):c.917A>G (p.Asn306Ser)

Gene: CFTR (CF transmembrane conductance regulator; plus strand). Cytogenetic location: 7q31.2.
Variant type: single nucleotide variant.
Coding change: c.917A>G on transcript NM_000492.4 (MANE Select); coding-DNA position 917, A replaced by G.
Protein change: p.Asn306Ser; replaces asparagine 306 with serine.
Molecular consequence: missense variant.
Genome position (GRCh38, 1-based): chr7:117,540,147, A>G. VCF-style: chr7-117540147-A-G. GRCh37 (hg19) VCF-style: chr7-117180201-A-G.
Other names: short protein forms N306S.
Identifiers: ClinVar variation 823066 (VCV000823066.7), dbSNP rs746375310, ClinGen allele CA4450863.
Genomic context (GRCh38, chr7:117,540,147, plus strand): 5'-TTGTTTTTTATAGAACAGAACTGAAACTGACTCGGAAGGCAGCCTATGTGAGATACTTCA[A>G]TAGCTCAGCCTTCTTCTTCTCAGGGTTCTTTGTGGTGTTTTTATCTGTGCTTCCCTATGC-3'
Protein context (NP_000483.3, residues 296-316): TRKAAYVRYF[Asn306Ser]SSAFFFSGFF